The following is an entry in ClinVar:

NM_199420.4(POLQ):c.4040C>G (p.Thr1347Ser)

Gene: POLQ (DNA polymerase theta; minus strand). Cytogenetic location: 3q13.33.
Variant type: single nucleotide variant.
Coding change: c.4040C>G on transcript NM_199420.4 (MANE Select); coding-DNA position 4040, C replaced by G.
Protein change: p.Thr1347Ser; replaces threonine 1347 with serine.
Molecular consequence: missense variant.
Genome position (GRCh38, 1-based): chr3:121,488,891, G>C on the plus strand (C>G on the coding strand, the complement: POLQ is on the minus strand). VCF-style: chr3-121488891-G-C. GRCh37 (hg19) VCF-style: chr3-121207738-G-C.
Other names: short protein forms T1347S.
Identifiers: ClinVar variation 1737283 (VCV001737283.2), dbSNP rs2546786463, ClinGen allele CA354096372.

ClinVar aggregate classification (germline): Uncertain significance (1 of 4 stars; one submission).

Submission:

Ambry Genetics
Classification: Uncertain significance. Last evaluated: 2022-10-27. Review status: criteria provided, single submitter. Criteria: Ambry Variant Classification Scheme 2023. Collection method: clinical testing. Allele origin: germline.
Comment: The p.T1347S variant (also known as c.4040C>G), located in coding exon 16 of the POLQ gene, results from a C to G substitution at nucleotide position 4040. The threonine at codon 1347 is replaced by serine, an amino acid with similar properties. This amino acid position is conserved. In addition, this alteration is predicted to be tolerated by in silico analysis. Since supporting evidence is limited at this time, the clinical significance of this alteration remains unclear.